The following is an entry in ClinVar:

NM_001206927.2(DNAH8):c.4641A>C (p.Gln1547His)

Gene: DNAH8 (dynein axonemal heavy chain 8; plus strand). Cytogenetic location: 6p21.2.
Variant type: single nucleotide variant.
Coding change: c.4641A>C on transcript NM_001206927.2 (MANE Select); coding-DNA position 4641, A replaced by C.
Protein change: p.Gln1547His; replaces glutamine 1547 with histidine.
Molecular consequence: missense variant.
Genome position (GRCh38, 1-based): chr6:38,842,699, A>C. VCF-style: chr6-38842699-A-C. GRCh37 (hg19) VCF-style: chr6-38810475-A-C.
Other names: c.3990A>C, p.Gln1330His (NM_001371.4); short protein forms Q1547H, Q1330H.
Identifiers: ClinVar variation 2792215 (VCV002792215.3), dbSNP rs1294833717, ClinGen allele CA364003517.

ClinVar aggregate classification (germline): Uncertain significance (1 of 4 stars; one submission).

Conditions:
Primary ciliary dyskinesia. Also called: Ciliary dyskinesia. Identifiers: Orphanet 244, MedGen C0008780, MONDO:0016575, HP:0012265.

Allele frequency attached by ClinVar (database versions not stated): TOPMed below 0.00001.

Submission:

Labcorp Genetics (formerly Invitae), Labcorp
Classification: Uncertain significance for Primary ciliary dyskinesia. Last evaluated: 2023-02-24. Review status: criteria provided, single submitter. Criteria: Invitae Variant Classification Sherloc (09022015). Collection method: clinical testing. Allele origin: germline.
Comment: This variant is not present in population databases (gnomAD no frequency). In summary, the available evidence is currently insufficient to determine the role of this variant in disease. Therefore, it has been classified as a Variant of Uncertain Significance. Advanced modeling of protein sequence and biophysical properties (such as structural, functional, and spatial information, amino acid conservation, physicochemical variation, residue mobility, and thermodynamic stability) has been performed at Invitae for this missense variant, however the output from this modeling did not meet the statistical confidence thresholds required to predict the impact of this variant on DNAH8 protein function. This variant has not been reported in the literature in individuals affected with DNAH8-related conditions. This sequence change replaces glutamine, which is neutral and polar, with histidine, which is basic and polar, at codon 1547 of the DNAH8 protein (p.Gln1547His).